The following is an entry in ClinVar:

ClinVar aggregate classification (germline): Likely pathogenic (1 of 4 stars; one submission).

Conditions:
Smith-Lemli-Opitz syndrome (SLOS). Also called: 7-Dehydrocholesterol reductase deficiency; POLYDACTYLY, SEX REVERSAL, RENAL HYPOPLASIA, AND UNILOBAR LUNG; RSH SYNDROME; RUTLEDGE LETHAL MULTIPLE CONGENITAL ANOMALY SYNDROME; LETHAL ACRODYSGENITAL SYNDROME. Identifiers: Orphanet 818, MedGen C0175694, MONDO:0010035, OMIM 270400.

gnomAD v4.1: 1 of 1,611,382 alleles (0.000062%); highest among the groups gnomAD compares: Non-Finnish European, 0.000085%; no homozygotes.

Submission:

Labcorp Genetics (formerly Invitae), Labcorp
Classification: Likely pathogenic for Smith-Lemli-Opitz syndrome. Last evaluated: 2023-12-05. Review status: criteria provided, single submitter. Criteria: Invitae Variant Classification Sherloc (09022015). Collection method: clinical testing. Allele origin: germline.
Comment: This sequence change replaces tyrosine, which is neutral and polar, with phenylalanine, which is neutral and non-polar, at codon 408 of the DHCR7 protein (p.Tyr408Phe). This variant is not present in population databases (gnomAD no frequency). This variant has not been reported in the literature in individuals affected with DHCR7-related conditions. ClinVar contains an entry for this variant (Variation ID: 1487172). Advanced modeling of protein sequence and biophysical properties (such as structural, functional, and spatial information, amino acid conservation, physicochemical variation, residue mobility, and thermodynamic stability) performed at Invitae indicates that this missense variant is expected to disrupt DHCR7 protein function with a positive predictive value of 95%. This variant disrupts the p.Tyr408 amino acid residue in DHCR7. Other variant(s) that disrupt this residue have been determined to be pathogenic (PMID: 10677299, 10995508, 12818773, 15896653). This suggests that this residue is clinically significant, and that variants that disrupt this residue are likely to be disease-causing. In summary, the currently available evidence indicates that the variant is pathogenic, but additional data are needed to prove that conclusively. Therefore, this variant has been classified as Likely Pathogenic.

Literature cited by the submitters: PubMed 10677299; PubMed 10995508; PubMed 12818773; PubMed 15896653.

NM_001360.3(DHCR7):c.1223A>T (p.Tyr408Phe)

Gene: DHCR7 (7-dehydrocholesterol reductase; minus strand). Cytogenetic location: 11q13.4.
Variant type: single nucleotide variant.
Coding change: c.1223A>T on transcript NM_001360.3 (MANE Select); coding-DNA position 1223, A replaced by T.
Protein change: p.Tyr408Phe; replaces tyrosine 408 with phenylalanine.
Molecular consequence: missense variant.
Genome position (GRCh38, 1-based): chr11:71,435,580, T>A on the plus strand (A>T on the coding strand, the complement: DHCR7 is on the minus strand). VCF-style: chr11-71435580-T-A. GRCh37 (hg19) VCF-style: chr11-71146626-T-A.
Other names: c.1223A>T, p.Tyr408Phe (NM_001163817.2); short protein forms Y408F.
Identifiers: ClinVar variation 1487172 (VCV001487172.6), dbSNP rs1219026826, ClinGen allele CA381701397.